The following is an entry in ClinVar:

ClinVar aggregate classification (germline): Uncertain significance (1 of 4 stars; one submission).

Conditions:
Inborn genetic diseases. Identifiers: MedGen C0950123, MeSH D030342.

Submission:

Ambry Genetics
Classification: Uncertain significance for Inborn genetic diseases. Last evaluated: 2025-11-04. Review status: criteria provided, single submitter. Criteria: Ambry Variant Classification Scheme 2023. Collection method: clinical testing. Allele origin: germline.
Comment: The p.I601V variant (also known as c.1801A>G), located in coding exon 13 of the KRIT1 gene, results from an A to G substitution at nucleotide position 1801. The isoleucine at codon 601 is replaced by valine, an amino acid with highly similar properties. This amino acid position is conserved. In addition, the in silico prediction for this alteration is inconclusive. Based on the available evidence, the clinical significance of this variant remains unclear.

NM_194454.3(KRIT1):c.1801A>G (p.Ile601Val)

Gene: KRIT1 (KRIT1 ankyrin repeat containing; minus strand). Cytogenetic location: 7q21.2.
Variant type: single nucleotide variant.
Coding change: c.1801A>G on transcript NM_194454.3 (MANE Select); coding-DNA position 1801, A replaced by G.
Protein change: p.Ile601Val; replaces isoleucine 601 with valine.
Molecular consequence: missense variant.
Genome position (GRCh38, 1-based): chr7:92,213,909, T>C on the plus strand (A>G on the coding strand, the complement: KRIT1 is on the minus strand). VCF-style: chr7-92213909-T-C. GRCh37 (hg19) VCF-style: chr7-91843223-T-C.
Other names: c.1801A>G, p.Ile601Val (NM_001350677.1, NM_001350678.1, NM_001350679.1 and 26 more transcripts); c.1657A>G, p.Ile553Val (NM_001013406.2, NM_001350669.1, NM_001350670.1); c.1087A>G, p.Ile363Val (NM_001350671.1); short protein forms I363V, I601V, I553V.
Identifiers: ClinVar variation 4623185 (VCV004623185.1).